The following is an entry in ClinVar:

ClinVar aggregate classification (germline): Uncertain significance (1 of 4 stars; one submission).

gnomAD v4.1: 26 of 1,605,578 alleles (0.0016%); highest among the groups gnomAD compares: Non-Finnish European, 0.002%; no homozygotes.

Submission:

Labcorp Genetics (formerly Invitae), Labcorp
Classification: Uncertain significance. Last evaluated: 2025-05-09. Review status: criteria provided, single submitter. Criteria: Invitae Variant Classification Sherloc (09022015). Collection method: clinical testing. Allele origin: germline.
Comment: This sequence change falls in intron 16 of the BICC1 gene. It does not directly change the encoded amino acid sequence of the BICC1 protein. It affects a nucleotide within the consensus splice site. This variant is present in population databases (rs779790494, gnomAD 0.004%). This variant has not been reported in the literature in individuals affected with BICC1-related conditions. Variants that disrupt the consensus splice site are a relatively common cause of aberrant splicing (PMID: 17576681, 9536098). Algorithms developed to predict the effect of sequence changes on RNA splicing suggest that this variant is not likely to affect RNA splicing. In summary, the available evidence is currently insufficient to determine the role of this variant in disease. Therefore, it has been classified as a Variant of Uncertain Significance.

Literature cited by the submitters: PubMed 17576681; PubMed 9536098.

NM_001080512.3(BICC1):c.2221+4T>C

Gene: BICC1 (BicC family RNA binding protein 1; plus strand). Cytogenetic location: 10q21.1.
Variant type: single nucleotide variant.
Coding change: c.2221+4T>C on transcript NM_001080512.3 (MANE Select); 4 bases into the intron after coding-DNA position 2221, T replaced by C.
Molecular consequence: intron variant.
Genome position (GRCh38, 1-based): chr10:58,806,627, T>C. VCF-style: chr10-58806627-T-C. GRCh37 (hg19) VCF-style: chr10-60566387-T-C.
Identifiers: ClinVar variation 4699209 (VCV004699209.1).
Genomic context (GRCh38, chr10:58,806,627, plus strand): 5'-TTCTGTTTCATTTTCAGGCATTTGACTATGAACAGAAGAAGCTATTAGCCACCAAAGGTA[T>C]GTAATACACTAATAACTTACACTTGACTATATTTTAGTACACTCATAAATGTTTTTTGAG-3'